The following is an entry in ClinVar:

ClinVar aggregate classification (germline): Uncertain significance (1 of 4 stars; one submission).

Conditions:
Glycine encephalopathy. Also called: Nonketotic hyperglycinemia; Non-ketotic hyperglycinemia. Identifiers: Orphanet 407, MedGen C0751748, MONDO:0011612, HP:0008288.

Submission:

Labcorp Genetics (formerly Invitae), Labcorp
Classification: Uncertain significance for Glycine encephalopathy. Last evaluated: 2024-03-01. Review status: criteria provided, single submitter. Criteria: Invitae Variant Classification Sherloc (09022015). Collection method: clinical testing. Allele origin: germline.
Comment: This sequence change replaces serine, which is neutral and polar, with threonine, which is neutral and polar, at codon 517 of the GLDC protein (p.Ser517Thr). This variant is not present in population databases (gnomAD no frequency). This missense change has been observed in individual(s) with neural tube defect (PMID: 22171071). Advanced modeling of protein sequence and biophysical properties (such as structural, functional, and spatial information, amino acid conservation, physicochemical variation, residue mobility, and thermodynamic stability) performed at Invitae indicates that this missense variant is not expected to disrupt GLDC protein function with a negative predictive value of 80%. In summary, the available evidence is currently insufficient to determine the role of this variant in disease. Therefore, it has been classified as a Variant of Uncertain Significance.

Literature cited by the submitters: PubMed 22171071.

NM_000170.3(GLDC):c.1550G>C (p.Ser517Thr)

Gene: GLDC (glycine decarboxylase; minus strand). Cytogenetic location: 9p24.1.
Variant type: single nucleotide variant.
Coding change: c.1550G>C on transcript NM_000170.3 (MANE Select); coding-DNA position 1550, G replaced by C.
Protein change: p.Ser517Thr; replaces serine 517 with threonine.
Molecular consequence: missense variant.
Genome position (GRCh38, 1-based): chr9:6,589,225, C>G on the plus strand (G>C on the coding strand, the complement: GLDC is on the minus strand). VCF-style: chr9-6589225-C-G. GRCh37 (hg19) VCF-style: chr9-6589225-C-G.
Other names: short protein forms S517T.
Identifiers: ClinVar variation 3624732 (VCV003624732.2).